The following is an entry in ClinVar:

ClinVar aggregate classification (germline): Likely benign. Review status: criteria provided, multiple submitters, no conflicts (2 of 4 stars). 3 submissions from 3 submitters: Likely benign (2). 1 of the submissions does not count toward it. Last evaluated 2026-02-01.

Conditions:
PKD1L1-related disorder. Also called: PKD1L1-related condition.

Allele frequency attached by ClinVar (database versions not stated): ExAC 0.00004; ESP Exome Variant Server 0.00008; TOPMed 0.00016; gnomAD 0.00017.
gnomAD v4.1: 54 of 1,613,922 alleles (0.0033%); highest among the groups gnomAD compares: African/African-American, 0.053%; no homozygotes.

Submissions (3):

CeGaT Center for Human Genetics Tuebingen
Classification: Likely benign. Last evaluated: 2026-02-01. Review status: criteria provided, single submitter. Criteria: CeGaT Center For Human Genetics Tuebingen Variant Classification Criteria Version 2. Collection method: clinical testing. Allele origin: germline. Affected: yes. Observed: 1 variant allele.
Comment: PKD1L1: BP4, BP7

Labcorp Genetics (formerly Invitae), Labcorp
Classification: Likely benign. Last evaluated: 2025-03-17. Review status: criteria provided, single submitter. Criteria: Invitae Variant Classification Sherloc (09022015). Collection method: clinical testing. Allele origin: germline.

PreventionGenetics, part of Exact Sciences
Classification: Likely benign for PKD1L1-related condition. Last evaluated: 2021-03-10. Review status: no assertion criteria provided. Collection method: clinical testing. Allele origin: germline. Not counted in ClinVar's aggregate classification.
Comment: This variant is classified as likely benign based on ACMG/AMP sequence variant interpretation guidelines (Richards et al. 2015 PMID: 25741868, with internal and published modifications).

NM_138295.5(PKD1L1):c.5196G>A (p.Leu1732=)

Gene: PKD1L1 (polycystin 1 like 1, transient receptor potential channel interacting; minus strand). Cytogenetic location: 7p12.3.
Variant type: single nucleotide variant.
Coding change: c.5196G>A on transcript NM_138295.5 (MANE Select); coding-DNA position 5196, G replaced by A.
Protein change: p.Leu1732=; no amino-acid change (leucine 1732 retained).
Molecular consequence: synonymous variant.
Genome position (GRCh38, 1-based): chr7:47,845,036, C>T on the plus strand (G>A on the coding strand, the complement: PKD1L1 is on the minus strand). VCF-style: chr7-47845036-C-T. GRCh37 (hg19) VCF-style: chr7-47884634-C-T.
Identifiers: ClinVar variation 3054337 (VCV003054337.8), dbSNP rs147400950, ClinGen allele CA4252905.